The following is an entry in ClinVar:

ClinVar aggregate classification (germline): Benign. Review status: criteria provided, multiple submitters, no conflicts (2 of 4 stars). 2 submissions from 2 submitters: Benign (2). Last evaluated 2018-01-13.

Conditions:
Neurodegeneration with brain iron accumulation 4 (NBIA4). Also called: MITOCHONDRIAL PROTEIN-ASSOCIATED NEURODEGENERATION. Identifiers: Orphanet 289560, MedGen C3280371, MONDO:0013674, OMIM 614298. Disease mechanism: loss of function.

Allele frequency attached by ClinVar (database versions not stated): 1000 Genomes Project 0.25040; 1000 Genomes Project 30x 0.25562; TOPMed 0.39983; gnomAD 0.41244 and 0.41904; ExAC 0.41385.
gnomAD v4.1: 209,955 of 453,946 alleles (46%); highest among the groups gnomAD compares: Non-Finnish European, 60%; 55,349 homozygotes.

Submissions (2):

Illumina Laboratory Services, Illumina
Classification: Benign for Neurodegeneration with brain iron accumulation 4. Last evaluated: 2018-01-13. Review status: criteria provided, single submitter. Criteria: ICSL Variant Classification Criteria 13 December 2019. Collection method: clinical testing. Allele origin: germline.
Comment: This variant was observed in the ICSL laboratory as part of a predisposition screen in an ostensibly healthy population. It had not been previously curated by ICSL or reported in the Human Gene Mutation Database (HGMD: prior to June 1st, 2018), and was therefore a candidate for classification through an automated scoring system. Utilizing variant allele frequency, disease prevalence and penetrance estimates, and inheritance mode, an automated score was calculated to assess if this variant is too frequent to cause the disease. Based on the score and internal cut-off values, a variant classified as benign is not then subjected to further curation. The score for this variant resulted in a classification of benign for this disease.

Breakthrough Genomics
Classification: Benign. Review status: criteria provided, single submitter. Criteria: ACMG Guidelines, 2015. Collection method: not provided. Allele origin: germline. Inheritance: Autosomal recessive inheritance. Affected: yes.

NM_031448.6(C19orf12):c.*1144C>T

Gene: C19orf12 (chromosome 19 open reading frame 12; minus strand). Cytogenetic location: 19q12.
Variant type: single nucleotide variant.
Coding change: c.*1144C>T on transcript NM_031448.6 (MANE Select); 1144 bases downstream of the stop codon, C replaced by T.
Molecular consequence: 3 prime UTR variant.
Genome position (GRCh38, 1-based): chr19:29,701,568, G>A on the plus strand (C>T on the coding strand, the complement: C19orf12 is on the minus strand). VCF-style: chr19-29701568-G-A. GRCh37 (hg19) VCF-style: chr19-30192475-G-A.
Other names: c.*1144C>T (NM_001031726.4, NM_001256047.2, NM_001282929.1 and 2 more transcripts); c.*1191C>T (NM_001256046.3).
Identifiers: ClinVar variation 328707 (VCV000328707.6), dbSNP rs9566, ClinGen allele CA9351765.
Genomic context (GRCh38, chr19:29,701,568, plus strand): 5'-CTTTTTTCAAATATTTCCTATCCAAGGCTGGTTGGATCTAAATGTGGAGACCACAGTTAC[G>A]GAGAGCTGACTGTACTGGGGAAATCTTTAGGGTAGAAACATTTCTTAGAGATGGTTTATA-3'